The following is an entry in ClinVar:

ClinVar aggregate classification (germline): Likely pathogenic. Review status: criteria provided, multiple submitters, no conflicts (2 of 4 stars). 2 submissions from 2 submitters: Likely pathogenic (2). Last evaluated 2023-01-09.

Conditions:
Developmental and epileptic encephalopathy 98. Identifiers: MedGen C5562017, MONDO:0030472, OMIM 619605.
Migraine, familial hemiplegic, 2. Identifiers: Orphanet 569, MedGen C1865322, MONDO:0011232, OMIM 602481.

Submissions (2):

Institute of Human Genetics, University of Leipzig Medical Center
Classification: Likely pathogenic for Developmental and epileptic encephalopathy 98. Last evaluated: 2023-01-09. Review status: criteria provided, single submitter. Criteria: ACMG Guidelines, 2015. Collection method: clinical testing. Allele origin: unknown. Affected: yes.
Comment: _x000D_ Criteria applied: PM1, PM5, PM2_SUP, PP3

Baylor Genetics
Classification: Likely pathogenic for Migraine, familial hemiplegic, 2. Last evaluated: 2022-04-18. Review status: criteria provided, single submitter. Criteria: ACMG Guidelines, 2015. Collection method: clinical testing. Allele origin: unknown.

NM_000702.4(ATP1A2):c.1022G>A (p.Cys341Tyr)

Gene: ATP1A2 (ATPase Na+/K+ transporting subunit alpha 2; plus strand). Cytogenetic location: 1q23.2.
Variant type: single nucleotide variant.
Coding change: c.1022G>A on transcript NM_000702.4 (MANE Select); coding-DNA position 1022, G replaced by A.
Protein change: p.Cys341Tyr; replaces cysteine 341 with tyrosine.
Molecular consequence: missense variant.
Genome position (GRCh38, 1-based): chr1:160,128,656, G>A. VCF-style: chr1-160128656-G-A. GRCh37 (hg19) VCF-style: chr1-160098446-G-A.
Other names: short protein forms C341Y.
Identifiers: ClinVar variation 2430257 (VCV002430257.2), dbSNP rs1057521630, ClinGen allele CA343239094.
Genomic context (GRCh38, chr1:160,128,656, plus strand): 5'-TATGGCCATCTCCGGCTTCAGCCTTAACCTTTTTTATTCTCCTCTTTCTCTACCAGGTGT[G>A]CCTGACCCTGACAGCCAAGCGCATGGCACGGAAGAACTGCCTGGTGAAGAACCTGGAGGC-3'
Protein context (NP_000693.1, residues 331-351): PEGLLATVTV[Cys341Tyr]LTLTAKRMAR